The following is an entry in ClinVar:

ClinVar aggregate classification (germline): Uncertain significance. Review status: criteria provided, multiple submitters, no conflicts (2 of 4 stars). 2 submissions from 2 submitters: Uncertain significance (2). Last evaluated 2024-07-25.

Conditions:
Kabuki syndrome. Also called: NIIKAWA-KUROKI SYNDROME; Kabuki make-up syndrome. Identifiers: Orphanet 2322, MedGen C0796004, MONDO:0016512.

Submissions (2):

GeneDx
Classification: Uncertain significance. Last evaluated: 2024-07-25. Review status: criteria provided, single submitter. Criteria: GeneDx Variant Classification Process June 2021. Collection method: clinical testing. Allele origin: germline. Affected: yes.
Comment: Not observed at significant frequency in large population cohorts (gnomAD); In silico analysis indicates that this missense variant does not alter protein structure/function; Has not been previously published as pathogenic or benign to our knowledge

Labcorp Genetics (formerly Invitae), Labcorp
Classification: Uncertain significance for Kabuki syndrome. Last evaluated: 2022-02-27. Review status: criteria provided, single submitter. Criteria: Invitae Variant Classification Sherloc (09022015). Collection method: clinical testing. Allele origin: germline.
Comment: This sequence change replaces glutamic acid, which is acidic and polar, with alanine, which is neutral and non-polar, at codon 4558 of the KMT2D protein (p.Glu4558Ala). This variant is not present in population databases (gnomAD no frequency). This variant has not been reported in the literature in individuals affected with KMT2D-related conditions. Algorithms developed to predict the effect of missense changes on protein structure and function are either unavailable or do not agree on the potential impact of this missense change (SIFT: "Deleterious"; PolyPhen-2: "Not Available"; Align-GVGD: "Class C0"). In summary, the available evidence is currently insufficient to determine the role of this variant in disease. Therefore, it has been classified as a Variant of Uncertain Significance.

NM_003482.4(KMT2D):c.13673A>C (p.Glu4558Ala)

Gene: KMT2D (lysine methyltransferase 2D; minus strand). Cytogenetic location: 12q13.12.
Variant type: single nucleotide variant.
Coding change: c.13673A>C on transcript NM_003482.4 (MANE Select); coding-DNA position 13673, A replaced by C.
Protein change: p.Glu4558Ala; replaces glutamic acid 4558 with alanine.
Molecular consequence: missense variant.
Genome position (GRCh38, 1-based): chr12:49,030,767, T>G on the plus strand (A>C on the coding strand, the complement: KMT2D is on the minus strand). VCF-style: chr12-49030767-T-G. GRCh37 (hg19) VCF-style: chr12-49424550-T-G.
Other names: short protein forms E4558A.
Identifiers: ClinVar variation 2103814 (VCV002103814.5), dbSNP rs2120408057, ClinGen allele CA384702866.
Genomic context (GRCh38, chr12:49,030,767, plus strand): 5'-GGGGCAAAGAGGCTAAAATTGGCGGTGATAGCAGGCTCCGTTAGGGGCAGCAGGGACAGC[T>G]CCTACAAGGGGCAAGATGACAAAGTTCAAAACCTGCAGCGTTTGCATCGCTGTCTTGCAC-3'
Protein context (NP_003473.3, residues 4548-4568): SEALLKQLKQ[Glu4558Ala]LSLLPLTEPA